The following is an entry in ClinVar:

ClinVar aggregate classification (germline): Likely benign (1 of 4 stars; one submission).

gnomAD v4.1: 428 of 1,614,050 alleles (0.027%); highest among the groups gnomAD compares: Middle Eastern, 0.049%; no homozygotes.

Submission:

CeGaT Center for Human Genetics Tuebingen
Classification: Likely benign. Last evaluated: 2026-05-01. Review status: criteria provided, single submitter. Criteria: CeGaT Center For Human Genetics Tuebingen Variant Classification Criteria Version 2. Collection method: clinical testing. Allele origin: germline. Affected: yes. Observed: 1 variant allele.
Comment: TRPM3: BP4, BP7

NM_001366145.2(TRPM3):c.4953G>A (p.Ser1651=)

Genes: KLF9-DT (KLF9 divergent transcript; plus strand), TRPM3 (transient receptor potential cation channel subfamily M member 3; minus strand). Cytogenetic location: 9q21.12.
Variant type: single nucleotide variant.
Coding change: c.4953G>A on transcript NM_001366145.2 (MANE Select); coding-DNA position 4953, G replaced by A.
Protein change: p.Ser1651=; no amino-acid change (serine 1651 retained).
Molecular consequence: synonymous variant. On other transcripts: intron variant (8).
Genome position (GRCh38, 1-based): chr9:70,536,160, C>T on the plus strand (G>A on the coding strand, the complement: TRPM3 is on the minus strand). VCF-style: chr9-70536160-C-T. GRCh37 (hg19) VCF-style: chr9-73151076-C-T.
Other names: c.4533G>A, p.Ser1511= (NM_206946.5); c.4503G>A, p.Ser1501= (NM_206947.5); c.3962-709G>A (NM_001366143.2); c.3998-709G>A (NM_001366142.2); c.3926-709G>A (NM_001366150.2); c.3956-709G>A (NM_001366151.2); c.3992-709G>A (NM_001366146.2); c.4037-709G>A (NM_001366148.2); and 9 more.
Identifiers: ClinVar variation 4872313 (VCV004872313.2).